The following is an entry in ClinVar:

ClinVar aggregate classification (germline): Benign/Likely benign. Review status: criteria provided, multiple submitters, no conflicts (2 of 4 stars). 4 submissions from 4 submitters: Benign (1); Likely benign (3). Last evaluated 2025-11-13.

Conditions:
Familial cancer of breast. Also called: BREAST CANCER, FAMILIAL; Hereditary breast cancer; hereditary breast carcinoma. Identifiers: Orphanet 227535, MedGen C0346153, MONDO:0016419, OMIM 114480. Disease mechanism: loss of function.
Hereditary cancer-predisposing syndrome. Also called: Hereditary neoplastic syndrome; Neoplastic Syndromes, Hereditary; Tumor predisposition; Hereditary Cancer Syndrome. Identifiers: Orphanet 140162, MedGen C0027672, MeSH D009386, MONDO:0015356.
Ataxia-telangiectasia syndrome (AT). Also called: LOUIS-BAR SYNDROME; Cerebello-oculocutaneous telangiectasia; Immunodeficiency with ataxia telangiectasia; AT, COMPLEMENTATION GROUP C; Ataxia-telangiectasia, complementation group D; ATAXIA-TELANGIECTASIA, COMPLEMENTATION GROUP A. Identifiers: Orphanet 100, MedGen C0004135, MONDO:0008840, OMIM 208900.

Allele frequency attached by ClinVar (database versions not stated): gnomAD exomes below 0.00001; ExAC 0.00001; gnomAD 0.00001 and 0.00002; TOPMed 0.00002; ESP Exome Variant Server 0.00008.
gnomAD v4.1: 8 of 1,612,662 alleles (0.0005%); highest among the groups gnomAD compares: African/African-American, 0.004%; no homozygotes.

Submissions (4):

Labcorp Genetics (formerly Invitae), Labcorp
Classification: Likely benign for Ataxia-telangiectasia syndrome. Last evaluated: 2025-11-13. Review status: criteria provided, single submitter. Criteria: Invitae Variant Classification Sherloc (09022015). Collection method: clinical testing. Allele origin: germline.

Myriad Genetics, Inc.
Classification: Benign for Familial cancer of breast. Last evaluated: 2024-04-23. Review status: criteria provided, single submitter. Criteria: Myriad Autosomal Dominant, Autosomal Recessive and X-Linked Classification Criteria (2023). Collection method: clinical testing. Allele origin: unknown.
Comment: This variant is considered benign. This variant is a silent/synonymous amino acid change and it is not expected to impact splicing.

Color Diagnostics, LLC DBA Color Health
Classification: Likely benign for Hereditary cancer-predisposing syndrome. Last evaluated: 2017-10-23. Review status: criteria provided, single submitter. Criteria: ACMG Guidelines, 2015. Collection method: clinical testing. Allele origin: germline.

Ambry Genetics
Classification: Likely benign for Hereditary cancer-predisposing syndrome. Last evaluated: 2015-11-20. Review status: criteria provided, single submitter. Criteria: Ambry Variant Classification Scheme 2023. Collection method: clinical testing. Allele origin: germline.

NM_000051.4(ATM):c.852A>G (p.Gln284=)

Gene: ATM (ATM serine/threonine kinase; plus strand). Cytogenetic location: 11q22.3.
Variant type: single nucleotide variant.
Coding change: c.852A>G on transcript NM_000051.4 (MANE Select); coding-DNA position 852, A replaced by G.
Protein change: p.Gln284=; no amino-acid change (glutamine 284 retained).
Molecular consequence: synonymous variant.
Genome position (GRCh38, 1-based): chr11:108,244,977, A>G. VCF-style: chr11-108244977-A-G. GRCh37 (hg19) VCF-style: chr11-108115704-A-G.
Other names: c.852A>G, p.Gln284= (NM_001351834.2).
Identifiers: ClinVar variation 482546 (VCV000482546.15), dbSNP rs140367473, ClinGen allele CA6264686.
Genomic context (GRCh38, chr11:108,244,977, plus strand): 5'-TATTTGGACTCAACATAGGCTTAATGATTCTTTAAAAGAAGTCATTATTGAATTATTTCA[A>G]CTGCAAATTTATATCCATCATCCGAAAGGAGCCAAAACCCAAGAAAAAGGTATAAAGGAA-3'
Protein context (NP_000042.3, residues 274-294): SLKEVIIELF[Gln284=]LQIYIHHPKG